The following is an entry in ClinVar:

NM_144670.6(A2ML1):c.166C>G (p.Leu56Val)

Genes: A2ML1 (alpha-2-macroglobulin like 1; plus strand), A2ML1-AS1 (A2ML1 antisense RNA 1; minus strand). Cytogenetic location: 12p13.31.
Variant type: single nucleotide variant.
Coding change: c.166C>G on transcript NM_144670.6 (MANE Select); coding-DNA position 166, C replaced by G.
Protein change: p.Leu56Val; replaces leucine 56 with valine.
Molecular consequence: missense variant.
Genome position (GRCh38, 1-based): chr12:8,823,285, C>G. VCF-style: chr12-8823285-C-G. GRCh37 (hg19) VCF-style: chr12-8975881-C-G.
Other names: short protein forms L56V.
Identifiers: ClinVar variation 4713500 (VCV004713500.1).

ClinVar aggregate classification (germline): Uncertain significance (1 of 4 stars; one submission).

gnomAD v4.1: 6 of 1,613,996 alleles (0.00037%); highest among the groups gnomAD compares: South Asian, 0.0066%; no homozygotes.

Submission:

Labcorp Genetics (formerly Invitae), Labcorp
Classification: Uncertain significance. Last evaluated: 2025-02-19. Review status: criteria provided, single submitter. Criteria: Invitae Variant Classification Sherloc (09022015). Collection method: clinical testing. Allele origin: germline.
Comment: This sequence change replaces leucine, which is neutral and non-polar, with valine, which is neutral and non-polar, at codon 56 of the A2ML1 protein (p.Leu56Val). This variant is present in population databases (rs770444077, gnomAD 0.003%). This variant has not been reported in the literature in individuals affected with A2ML1-related conditions. An algorithm developed to predict the effect of missense changes on protein structure and function (PolyPhen-2) suggests that this variant is likely to be disruptive. In summary, the available evidence is currently insufficient to determine the role of this variant in disease. Therefore, it has been classified as a Variant of Uncertain Significance.